The following is an entry in ClinVar:

ClinVar aggregate classification (germline): Uncertain significance (1 of 4 stars; one submission).

Conditions:
Inborn genetic diseases. Identifiers: MedGen C0950123, MeSH D030342.

Submission:

Ambry Genetics
Classification: Uncertain significance for Inborn genetic diseases. Last evaluated: 2022-06-24. Review status: criteria provided, single submitter. Criteria: Ambry Variant Classification Scheme 2023. Collection method: clinical testing. Allele origin: germline.
Comment: The p.R424K variant (also known as c.1271G>A), located in coding exon 13 of the ERCC2 gene, results from a G to A substitution at nucleotide position 1271. The arginine at codon 424 is replaced by lysine, an amino acid with highly similar properties. This amino acid position is conserved. In addition, this alteration is predicted to be tolerated by in silico analysis. Since supporting evidence is limited at this time, the clinical significance of this alteration remains unclear.

NM_000400.4(ERCC2):c.1271G>A (p.Arg424Lys)

Gene: ERCC2 (ERCC excision repair 2, TFIIH core complex helicase subunit; minus strand). Cytogenetic location: 19q13.32.
Variant type: single nucleotide variant.
Coding change: c.1271G>A on transcript NM_000400.4 (MANE Select); coding-DNA position 1271, G replaced by A.
Protein change: p.Arg424Lys; replaces arginine 424 with lysine.
Molecular consequence: missense variant.
Genome position (GRCh38, 1-based): chr19:45,357,666, C>T on the plus strand (G>A on the coding strand, the complement: ERCC2 is on the minus strand). VCF-style: chr19-45357666-C-T. GRCh37 (hg19) VCF-style: chr19-45860924-C-T.
Other names: short protein forms R424K.
Identifiers: ClinVar variation 1765601 (VCV001765601.2), dbSNP rs2514014006, ClinGen allele CA406368104.